The following is an entry in ClinVar:

ClinVar aggregate classification (germline): Uncertain significance (1 of 4 stars; one submission).

Conditions:
Congenital prothrombin deficiency. Also called: Inherited hypoprothrombinemia; Congenital factor II deficiency; Inherited prothrombin deficiency; HYPOPROTHROMBINEMIA; Factor II deficiency; Hereditary factor II deficiency disease. Identifiers: Orphanet 325, MedGen C0272317, MONDO:0013361, OMIM 613679.
Thrombophilia due to thrombin defect (THPH1). Also called: Thrombosis susceptibility; THROMBOPHILIA DUE TO FACTOR 2 DEFECT; Prothrombin-Related Thrombophilia (Factor II); Prothrombin Thrombophilia. Identifiers: MedGen C3160733, MONDO:0008559, OMIM 188050. Disease mechanism: gain of function, loss of function.
Pregnancy loss, recurrent, susceptibility to, 2 (RPRGL2). Identifiers: MedGen C3280672, MONDO:0013728, OMIM 614390.
Ischemic stroke. Also called: Ischemic stroke, susceptibility to; CEREBROVASCULAR ACCIDENT. Identifiers: MedGen C0948008, MONDO:1060198, OMIM 601367, HP:0002140.

Submission:

Juno Genomics, Hangzhou Juno Genomics, Inc
Classification: Uncertain significance for Thrombophilia due to thrombin defect; Pregnancy loss, recurrent, susceptibility to, 2; Ischemic stroke; Congenital prothrombin deficiency. Review status: criteria provided, single submitter. Criteria: ACMG Guidelines, 2015. Collection method: clinical testing. Allele origin: germline.
Comment: Absent from controls (or at extremely low frequency if recessive) in Genome Aggregation Database.;Multiple lines of computational evidence support a deleterious effect on the gene or gene product.

NM_000506.5(F2):c.323G>A (p.Cys108Tyr)

Gene: F2 (coagulation factor II, thrombin; plus strand). Cytogenetic location: 11p11.2.
Variant type: single nucleotide variant.
Coding change: c.323G>A on transcript NM_000506.5 (MANE Select); coding-DNA position 323, G replaced by A.
Protein change: p.Cys108Tyr; replaces cysteine 108 with tyrosine.
Molecular consequence: missense variant.
Genome position (GRCh38, 1-based): chr11:46,723,186, G>A. VCF-style: chr11-46723186-G-A. GRCh37 (hg19) VCF-style: chr11-46744736-G-A.
Other names: short protein forms C108Y.
Identifiers: ClinVar variation 5007868 (VCV005007868.2).